The following is an entry in ClinVar:

ClinVar aggregate classification (germline): Uncertain significance. Review status: criteria provided, multiple submitters, no conflicts (2 of 4 stars). 3 submissions from 3 submitters: Uncertain significance (3). Last evaluated 2024-11-20.

Conditions:
Hereditary cancer-predisposing syndrome. Also called: Tumor predisposition; Hereditary neoplastic syndrome; Neoplastic Syndromes, Hereditary; Hereditary Cancer Syndrome. Identifiers: Orphanet 140162, MedGen C0027672, MeSH D009386, MONDO:0015356.
Multiple endocrine neoplasia, type 2 (MEN2). Identifiers: Orphanet 653, MedGen C4048306, MONDO:0019003. Disease mechanism: gain of function.

Submissions (3):

Labcorp Genetics (formerly Invitae), Labcorp
Classification: Uncertain significance for Multiple endocrine neoplasia, type 2. Last evaluated: 2024-11-20. Review status: criteria provided, single submitter. Criteria: Invitae Variant Classification Sherloc (09022015). Collection method: clinical testing. Allele origin: germline.
Comment: This sequence change replaces valine, which is neutral and non-polar, with methionine, which is neutral and non-polar, at codon 486 of the RET protein (p.Val486Met). This variant is not present in population databases (gnomAD no frequency). This variant has not been reported in the literature in individuals affected with RET-related conditions. ClinVar contains an entry for this variant (Variation ID: 950634). An algorithm developed to predict the effect of missense changes on protein structure and function outputs the following: PolyPhen-2: "Benign". The methionine amino acid residue is found in multiple mammalian species, which suggests that this missense change does not adversely affect protein function. In summary, the available evidence is currently insufficient to determine the role of this variant in disease. Therefore, it has been classified as a Variant of Uncertain Significance.

All of Us Research Program, National Institutes of Health
Classification: Uncertain significance for Multiple endocrine neoplasia, type 2. Last evaluated: 2024-05-30. Review status: criteria provided, single submitter. Criteria: ACMG Guidelines, 2015. Collection method: clinical testing. Allele origin: germline. Inheritance: Autosomal dominant inheritance. Observed: 1 variant allele, 1 heterozygote.
Comment: This missense variant replaces valine with methionine at codon 486 of the RET protein. Computational prediction suggests that this variant may not impact protein structure and function (internally defined REVEL score threshold <= 0.5, PMID: 27666373). To our knowledge, functional studies have not been reported for this variant. This variant has not been reported in individuals affected with RET-related disorders in the literature. This variant has not been identified in the general population by the Genome Aggregation Database (gnomAD). The available evidence is insufficient to determine the role of this variant in disease conclusively. Therefore, this variant is classified as a Variant of Uncertain Significance.

This study involves interpretation of variants in research participants for the purpose of population health screening. Participant phenotype was not available at the time of variant classification. Additional details can be found in publication PMID: 35346344, PMCID: PMC8962531

Ambry Genetics
Classification: Uncertain significance for Hereditary cancer-predisposing syndrome. Last evaluated: 2024-03-28. Review status: criteria provided, single submitter. Criteria: Ambry Variant Classification Scheme 2023. Collection method: clinical testing. Allele origin: germline.
Comment: The p.V486M variant (also known as c.1456G>A), located in coding exon 7 of the RET gene, results from a G to A substitution at nucleotide position 1456. The valine at codon 486 is replaced by methionine, an amino acid with highly similar properties. This amino acid position is not well conserved in available vertebrate species. In addition, this alteration is predicted to be tolerated by in silico analysis. Based on the available evidence, the clinical significance of this alteration remains unclear.

NM_020975.6(RET):c.1456G>A (p.Val486Met)

Gene: RET (ret proto-oncogene; plus strand). Cytogenetic location: 10q11.21.
Variant type: single nucleotide variant.
Coding change: c.1456G>A on transcript NM_020975.6 (MANE Select); coding-DNA position 1456, G replaced by A.
Protein change: p.Val486Met; replaces valine 486 with methionine.
Molecular consequence: missense variant.
Genome position (GRCh38, 1-based): chr10:43,111,399, G>A. VCF-style: chr10-43111399-G-A. GRCh37 (hg19) VCF-style: chr10-43606847-G-A.
Other names: c.1456G>A, p.Val486Met (NM_000323.2, NM_001406743.1, NM_001406744.1 and 6 more transcripts); c.694G>A, p.Val232Met (NM_001355216.2); c.1327G>A, p.Val443Met (NM_001406761.1, NM_001406762.1, NM_001406764.1 and 1 more transcripts); c.1168G>A, p.Val390Met (NM_001406766.1, NM_001406767.1, NM_001406770.1); c.1060G>A, p.Val354Met (NM_001406769.1, NM_001406772.1); c.1018G>A, p.Val340Met (NM_001406771.1, NM_001406773.1); c.931G>A, p.Val311Met (NM_001406774.1); c.730G>A, p.Val244Met (NM_001406775.1, NM_001406776.1, NM_001406777.1 and 1 more transcripts); and 1 more; short protein forms V232M, V486M, V354M, V156M, V244M, V311M, V340M, V390M.
Identifiers: ClinVar variation 950634 (VCV000950634.7), dbSNP rs1588871361, ClinGen allele CA376549717.